The following is an entry in ClinVar:

ClinVar aggregate classification (germline): Uncertain significance (1 of 4 stars; one submission).

Submission:

GeneDx
Classification: Uncertain significance. Last evaluated: 2025-07-07. Review status: criteria provided, single submitter. Criteria: GeneDx Variant Classification Process June 2021. Collection method: clinical testing. Allele origin: germline. Affected: yes.
Comment: Not observed at significant frequency in large population cohorts (gnomAD); In silico analysis suggests that this missense variant does not alter protein structure/function; Has not been previously published as pathogenic or benign to our knowledge

NM_001849.4(COL6A2):c.941C>G (p.Ala314Gly)

Gene: COL6A2 (collagen type VI alpha 2 chain; plus strand). Cytogenetic location: 21q22.3.
Variant type: single nucleotide variant.
Coding change: c.941C>G on transcript NM_001849.4 (MANE Select); coding-DNA position 941, C replaced by G.
Protein change: p.Ala314Gly; replaces alanine 314 with glycine.
Molecular consequence: missense variant.
Genome position (GRCh38, 1-based): chr21:46,116,664, C>G. VCF-style: chr21-46116664-C-G. GRCh37 (hg19) VCF-style: chr21-47536578-C-G.
Other names: c.941C>G, p.Ala314Gly (NM_058174.3, NM_058175.3); short protein forms A314G.
Identifiers: ClinVar variation 4685089 (VCV004685089.1).